The following is an entry in ClinVar:

ClinVar aggregate classification (germline): Conflicting classifications of pathogenicity. Review status: criteria provided, conflicting classifications (1 of 4 stars). 2 submissions from 2 submitters: Uncertain significance (1); Likely benign (1). Last evaluated 2025-07-21.

Conditions:
Rubinstein-Taybi syndrome due to EP300 haploinsufficiency. Also called: RUBINSTEIN-TAYBI SYNDROME 2; EP300-Related Rubinstein-Taybi Syndrome. Identifiers: Orphanet 353284, Orphanet 783, MedGen C3150941, MONDO:0013364, OMIM 613684.

gnomAD v4.1: 9 of 1,613,974 alleles (0.00056%); highest among the groups gnomAD compares: African/African-American, 0.0013%; no homozygotes.

Submissions (2):

Labcorp Genetics (formerly Invitae), Labcorp
Classification: Likely benign for Rubinstein-Taybi syndrome due to EP300 haploinsufficiency. Last evaluated: 2025-07-21. Review status: criteria provided, single submitter. Criteria: Invitae Variant Classification Sherloc (09022015). Collection method: clinical testing. Allele origin: germline.

GeneDx
Classification: Uncertain significance. Last evaluated: 2023-12-21. Review status: criteria provided, single submitter. Criteria: GeneDx Variant Classification Process June 2021. Collection method: clinical testing. Allele origin: germline. Affected: yes.
Comment: In silico analysis supports that this missense variant has a deleterious effect on protein structure/function; Has not been previously published as pathogenic or benign to our knowledge

NM_001429.4(EP300):c.3560G>A (p.Arg1187His)

Gene: EP300 (EP300 lysine acetyltransferase; plus strand). Cytogenetic location: 22q13.2.
Variant type: single nucleotide variant.
Coding change: c.3560G>A on transcript NM_001429.4 (MANE Select); coding-DNA position 3560, G replaced by A.
Protein change: p.Arg1187His; replaces arginine 1187 with histidine.
Molecular consequence: missense variant.
Genome position (GRCh38, 1-based): chr22:41,158,470, G>A. VCF-style: chr22-41158470-G-A. GRCh37 (hg19) VCF-style: chr22-41554474-G-A.
Other names: c.3482G>A, p.Arg1161His (NM_001362843.2); short protein forms R1161H, R1187H.
Identifiers: ClinVar variation 3370031 (VCV003370031.2).